The following is an entry in ClinVar:

NM_001267550.2(TTN):c.69715+8T>C

Genes: TTN (titin; minus strand), TTN-AS1 (TTN antisense RNA 1; plus strand), LOC126806422 (BRD4-independent group 4 enhancer GRCh37_chr2:179440205-179441404; plus strand). Cytogenetic location: 2q31.2.
Variant type: single nucleotide variant.
Coding change: c.69715+8T>C on transcript NM_001267550.2 (MANE Select); 8 bases into the intron after coding-DNA position 69715, T replaced by C.
Molecular consequence: intron variant.
Genome position (GRCh38, 1-based): chr2:178,576,521, A>G on the plus strand (T>C on the coding strand, the complement: TTN is on the minus strand). VCF-style: chr2-178576521-A-G. GRCh37 (hg19) VCF-style: chr2-179441248-A-G.
Other names: c.42520+8T>C (NM_003319.4); c.43096+8T>C (NM_133437.4); c.42895+8T>C (NM_133432.3); c.62011+8T>C (NM_133378.4); c.64792+8T>C (NM_001256850.1).
Identifiers: ClinVar variation 698245 (VCV000698245.11), dbSNP rs539199374, ClinGen allele CA1990897.

ClinVar aggregate classification (germline): Likely benign. Review status: criteria provided, multiple submitters, no conflicts (2 of 4 stars). 3 submissions from 3 submitters: Likely benign (3). Last evaluated 2025-07-02.

Conditions:
Dilated cardiomyopathy 1G (CMD1G). Identifiers: Orphanet 154, MedGen C1858763, MONDO:0011400, OMIM 604145.
Autosomal recessive limb-girdle muscular dystrophy type 2J (LGMDR10). Also called: MUSCULAR DYSTROPHY, LIMB-GIRDLE, AUTOSOMAL RECESSIVE 10; Limb-girdle muscular dystrophy, type 2J. Identifiers: Orphanet 140922, MedGen C1837342, MONDO:0012127, OMIM 608807.
TTN-related disorder. Also called: TTN-related disorders; TTN-related condition; TTN-related disease.

Allele frequency attached by ClinVar (database versions not stated): gnomAD 0.00001 and 0.00004; TOPMed 0.00001; gnomAD exomes 0.00005 and 0.00009; ExAC 0.00013; 1000 Genomes Project 0.00040; 1000 Genomes Project 30x 0.00047.
gnomAD v4.1: 71 of 1,610,960 alleles (0.0044%); highest among the groups gnomAD compares: South Asian, 0.077%; 1 homozygote.

Submissions (3):

PreventionGenetics, part of Exact Sciences
Classification: Likely benign for TTN-related condition. Last evaluated: 2025-07-02. Review status: criteria provided, single submitter. Criteria: ACMG Guidelines, 2015. Collection method: clinical testing. Allele origin: germline.
Comment: This variant is classified as likely benign based on ACMG/AMP sequence variant interpretation guidelines (Richards et al. 2015 PMID: 25741868, with internal and published modifications).

Labcorp Genetics (formerly Invitae), Labcorp
Classification: Likely benign for Dilated cardiomyopathy 1G; Autosomal recessive limb-girdle muscular dystrophy type 2J. Last evaluated: 2023-12-31. Review status: criteria provided, single submitter. Criteria: Invitae Variant Classification Sherloc (09022015). Collection method: clinical testing. Allele origin: germline.

Blueprint Genetics
Classification: Likely benign. Last evaluated: 2022-02-24. Review status: criteria provided, single submitter. Criteria: ACMG Guidelines, 2015. Collection method: clinical testing. Allele origin: germline.